The following is an entry in ClinVar:

NC_000012.12:g.121641579G>A

Gene: ORAI1 (ORAI calcium release-activated calcium modulator 1; plus strand). Cytogenetic location: 12q24.31.
Variant type: single nucleotide variant.
Molecular consequence: non-coding transcript variant (on NR_186857.1).
Genome position: GRCh38 VCF-style: chr12-121641579-G-A. GRCh37 (hg19) VCF-style: chr12-122079485-G-A.
Identifiers: ClinVar variation 3752855 (VCV003752855.3).
Genomic context (GRCh38, chr12:121,641,579, plus strand): 5'-TGGTTAGCCATAAGACTGACCGACAGTTCCAGGAGCTCAACGAGCTGGCGGAGTTTGCCC[G>A]CTTACAGGACCAGCTGGACCACAGAGGGGACCACCCCCTGACGCCCGGCAGCCACTATGC-3'

ClinVar aggregate classification (germline): Uncertain significance. Review status: criteria provided, multiple submitters, no conflicts (2 of 4 stars). 2 submissions from 2 submitters: Uncertain significance (2). Last evaluated 2025-03-31.

Conditions:
Combined immunodeficiency due to ORAI1 deficiency. Also called: IMMUNODEFICIENCY 9. Identifiers: Orphanet 169090, Orphanet 317428, MedGen C2748568, MONDO:0013007, OMIM 612782.
Myopathy, tubular aggregate, 2 (TAM2). Identifiers: MedGen C4014557, MONDO:0014383, OMIM 615883.

Submissions (2):

Labcorp Genetics (formerly Invitae), Labcorp
Classification: Uncertain significance for Myopathy, tubular aggregate, 2; Combined immunodeficiency due to ORAI1 deficiency. Last evaluated: 2025-03-31. Review status: criteria provided, single submitter. Criteria: Invitae Variant Classification Sherloc (09022015). Collection method: clinical testing. Allele origin: germline.
Comment: This sequence change replaces arginine, which is basic and polar, with histidine, which is basic and polar, at codon 281 of the ORAI1 protein (p.Arg281His). This variant is not present in population databases (gnomAD no frequency). This variant has not been reported in the literature in individuals affected with ORAI1-related conditions. Experimental studies and prediction algorithms are not available or were not evaluated, and the functional significance of this variant is currently unknown. In summary, the available evidence is currently insufficient to determine the role of this variant in disease. Therefore, it has been classified as a Variant of Uncertain Significance.

Blueprint Genetics
Classification: Uncertain significance. Last evaluated: 2024-01-10. Review status: criteria provided, single submitter. Criteria: ACMG Guidelines, 2015. Collection method: clinical testing. Allele origin: germline.